The following is an entry in ClinVar:

NM_004415.4(DSP):c.1161T>A (p.Ser387=)

Gene: DSP (desmoplakin; plus strand). Cytogenetic location: 6p24.3.
Variant type: single nucleotide variant.
Coding change: c.1161T>A on transcript NM_004415.4 (MANE Select); coding-DNA position 1161, T replaced by A.
Protein change: p.Ser387=; no amino-acid change (serine 387 retained).
Molecular consequence: synonymous variant.
Genome position (GRCh38, 1-based): chr6:7,567,801, T>A. VCF-style: chr6-7567801-T-A. GRCh37 (hg19) VCF-style: chr6-7568034-T-A.
Other names: c.1161T>A, p.Ser387= (NM_001008844.3, NM_001319034.2).
Identifiers: ClinVar variation 1098835 (VCV001098835.12), dbSNP rs1758909456, ClinGen allele CA448520460.

ClinVar aggregate classification (germline): Likely benign. Review status: criteria provided, multiple submitters, no conflicts (2 of 4 stars). 3 submissions from 3 submitters: Likely benign (3). Last evaluated 2026-01-21.

Conditions:
Arrhythmogenic cardiomyopathy with wooly hair and keratoderma. Also called: Carvajal syndrome; Dilated cardiomyopathy with woolly hair and keratoderma; PALMOPLANTAR KERATODERMA WITH LEFT VENTRICULAR CARDIOMYOPATHY AND WOOLLY HAIR; Arrhythmogenic cardiomyopathy with woolly hair and keratoderma. Identifiers: Orphanet 65282, MedGen C1854063, MONDO:0011581, OMIM 605676.
Arrhythmogenic right ventricular dysplasia 8 (ARVD8). Also called: ARRHYTHMOGENIC RIGHT VENTRICULAR DYSPLASIA, FAMILIAL, 8; ARRHYTHMOGENIC RIGHT VENTRICULAR CARDIOMYOPATHY 8; Arrhythmogenic Right Ventricular Dysplasia/Cardiomyopathy 8. Identifiers: MedGen C1843896, MONDO:0011831, OMIM 607450.
Cardiovascular phenotype. Identifiers: MedGen CN230736.

Allele frequency attached by ClinVar (database versions not stated): gnomAD exomes 0.00001.
gnomAD v4.1: 4 of 1,614,014 alleles (0.00025%); highest among the groups gnomAD compares: Non-Finnish European, 0.00034%; no homozygotes.

Submissions (3):

Labcorp Genetics (formerly Invitae), Labcorp
Classification: Likely benign for Arrhythmogenic cardiomyopathy with wooly hair and keratoderma; Arrhythmogenic right ventricular dysplasia 8. Last evaluated: 2026-01-21. Review status: criteria provided, single submitter. Criteria: Invitae Variant Classification Sherloc (09022015). Collection method: clinical testing. Allele origin: germline.

Women's Health and Genetics/Laboratory Corporation of America, LabCorp
Classification: Likely benign. Last evaluated: 2021-05-17. Review status: criteria provided, single submitter. Criteria: LabCorp Variant Classification Summary - May 2015. Collection method: clinical testing. Allele origin: germline.
Comment: Variant summary: DSP c.1161T>A alters a conserved nucleotide resulting in a synonymous change. 4/4 computational tools predict no significant impact on normal splicing. However, these predictions have yet to be confirmed by functional studies. The variant was absent in 251252 control chromosomes (gnomAD). The available data on variant occurrences in the general population are insufficient to allow any conclusion about variant significance. To our knowledge, no occurrence of c.1161T>A in individuals affected with Arrhythmogenic Right Ventricular Dysplasia/Cardiomyopathy and no experimental evidence demonstrating its impact on protein function have been reported. No clinical diagnostic laboratories have submitted clinical-significance assessments for this variant to ClinVar after 2014. Based on the evidence outlined above, the variant was classified as likely benign.

Ambry Genetics
Classification: Likely benign for Cardiovascular phenotype. Last evaluated: 2019-03-20. Review status: criteria provided, single submitter. Criteria: Ambry Variant Classification Scheme 2023. Collection method: clinical testing. Allele origin: germline.